The following is an entry in ClinVar:

NM_017547.4(FOXRED1):c.307-2A>G

Gene: FOXRED1 (FAD dependent oxidoreductase domain containing 1; plus strand). Cytogenetic location: 11q24.2.
Variant type: single nucleotide variant.
Coding change: c.307-2A>G on transcript NM_017547.4 (MANE Select); the canonical splice acceptor site of the intron before coding-DNA position 307, A replaced by G.
Molecular consequence: splice acceptor variant.
Genome position (GRCh38, 1-based): chr11:126,272,967, A>G. VCF-style: chr11-126272967-A-G. GRCh37 (hg19) VCF-style: chr11-126142862-A-G.
Other names: c.-204-2A>G (NM_001425168.1, NM_001425170.1); c.307-2A>G (NM_001425160.1, NM_001425161.1, NM_001425165.1 and 4 more transcripts); c.-224-2A>G (NM_001425169.1); c.-251-2A>G (NM_001425171.1, NM_001425172.1); c.-232-2A>G (NM_001425174.1, NM_001425175.1, NM_001425173.1).
Identifiers: ClinVar variation 4750699 (VCV004750699.1).

ClinVar aggregate classification (germline): Likely pathogenic (1 of 4 stars; one submission).

gnomAD v4.1: 3 of 1,478,628 alleles (0.0002%); highest among the groups gnomAD compares: Non-Finnish European, 0.00019%; no homozygotes.

Submission:

Labcorp Genetics (formerly Invitae), Labcorp
Classification: Likely pathogenic. Last evaluated: 2025-11-24. Review status: criteria provided, single submitter. Criteria: Invitae Variant Classification Sherloc (09022015). Collection method: clinical testing. Allele origin: germline.
Comment: This sequence change affects an acceptor splice site in intron 2 of the FOXRED1 gene. It is expected to disrupt RNA splicing. Variants that disrupt the donor or acceptor splice site typically lead to a loss of protein function (PMID: 16199547), and loss-of-function variants in FOXRED1 are known to be pathogenic (PMID: 20818383, 20858599). This variant is not present in population databases (gnomAD no frequency). This variant has not been reported in the literature in individuals affected with FOXRED1-related conditions. Algorithms developed to predict the effect of sequence changes on RNA splicing suggest that this variant may disrupt the consensus splice site. In summary, the currently available evidence indicates that the variant is pathogenic, but additional data are needed to prove that conclusively. Therefore, this variant has been classified as Likely Pathogenic.

Literature cited by the submitters: PubMed 16199547; PubMed 20818383; PubMed 20858599.